The following is an entry in ClinVar:

ClinVar aggregate classification (germline): Uncertain significance (1 of 4 stars; one submission).

Allele frequency attached by ClinVar (database versions not stated): gnomAD 0.00001 and 0.00002; TOPMed 0.00001; gnomAD exomes 0.00011 and 0.00013; ExAC 0.00022.
gnomAD v4.1: 156 of 1,564,734 alleles (0.01%); highest among the groups gnomAD compares: East Asian, 0.36%; no homozygotes.

Submission:

Labcorp Genetics (formerly Invitae), Labcorp
Classification: Uncertain significance. Last evaluated: 2025-07-20. Review status: criteria provided, single submitter. Criteria: Invitae Variant Classification Sherloc (09022015). Collection method: clinical testing. Allele origin: germline.
Comment: This sequence change replaces glutamic acid, which is acidic and polar, with aspartic acid, which is acidic and polar, at codon 28 of the ARIH1 protein (p.Glu28Asp). This variant is present in population databases (rs773605993, gnomAD 0.2%), and has an allele count higher than expected for a pathogenic variant. This variant has not been reported in the literature in individuals affected with ARIH1-related conditions. ClinVar contains an entry for this variant (Variation ID: 1379147). Experimental studies and prediction algorithms are not available or were not evaluated, and the functional significance of this variant is currently unknown. In summary, the available evidence is currently insufficient to determine the role of this variant in disease. Therefore, it has been classified as a Variant of Uncertain Significance.

NM_005744.5(ARIH1):c.84G>C (p.Glu28Asp)

Gene: ARIH1 (ariadne RBR E3 ubiquitin protein ligase 1; plus strand). Cytogenetic location: 15q24.1.
Variant type: single nucleotide variant.
Coding change: c.84G>C on transcript NM_005744.5 (MANE Select); coding-DNA position 84, G replaced by C.
Protein change: p.Glu28Asp; replaces glutamic acid 28 with aspartic acid.
Molecular consequence: missense variant.
Genome position (GRCh38, 1-based): chr15:72,474,723, G>C. VCF-style: chr15-72474723-G-C. GRCh37 (hg19) VCF-style: chr15-72767064-G-C.
Other names: short protein forms E28D.
Identifiers: ClinVar variation 1379147 (VCV001379147.6), dbSNP rs773605993, ClinGen allele CA7645416.